The following is an entry in ClinVar:

NM_000875.5(IGF1R):c.2632G>A (p.Glu878Lys)

Gene: IGF1R (insulin like growth factor 1 receptor; plus strand). Cytogenetic location: 15q26.3.
Variant type: single nucleotide variant.
Coding change: c.2632G>A on transcript NM_000875.5 (MANE Select); coding-DNA position 2632, G replaced by A.
Protein change: p.Glu878Lys; replaces glutamic acid 878 with lysine.
Molecular consequence: missense variant.
Genome position (GRCh38, 1-based): chr15:98,924,534, G>A. VCF-style: chr15-98924534-G-A. GRCh37 (hg19) VCF-style: chr15-99467763-G-A.
Other names: c.2632G>A, p.Glu878Lys (NM_001291858.2); short protein forms E878K.
Identifiers: ClinVar variation 3285493 (VCV003285493.3).

ClinVar aggregate classification (germline): Uncertain significance. Review status: criteria provided, multiple submitters, no conflicts (2 of 4 stars). 2 submissions from 2 submitters: Uncertain significance (2). Last evaluated 2024-04-25.

Conditions:
Inborn genetic diseases. Identifiers: MedGen C0950123, MeSH D030342.

gnomAD v4.1: 81 of 1,614,056 alleles (0.005%); highest among the groups gnomAD compares: Non-Finnish European, 0.0064%; no homozygotes.

Submissions (2):

Labcorp Genetics (formerly Invitae), Labcorp
Classification: Uncertain significance. Last evaluated: 2024-04-25. Review status: criteria provided, single submitter. Criteria: Invitae Variant Classification Sherloc (09022015). Collection method: clinical testing. Allele origin: germline.
Comment: This sequence change replaces glutamic acid, which is acidic and polar, with lysine, which is basic and polar, at codon 878 of the IGF1R protein (p.Glu878Lys). This variant is present in population databases (rs750332905, gnomAD 0.004%). This variant has not been reported in the literature in individuals affected with IGF1R-related conditions. Advanced modeling of protein sequence and biophysical properties (such as structural, functional, and spatial information, amino acid conservation, physicochemical variation, residue mobility, and thermodynamic stability) performed at Invitae indicates that this missense variant is not expected to disrupt IGF1R protein function with a negative predictive value of 80%. In summary, the available evidence is currently insufficient to determine the role of this variant in disease. Therefore, it has been classified as a Variant of Uncertain Significance.

Ambry Genetics
Classification: Uncertain significance for Inborn genetic diseases. Last evaluated: 2024-04-24. Review status: criteria provided, single submitter. Criteria: Ambry Variant Classification Scheme 2023. Collection method: clinical testing. Allele origin: germline.